The following is an entry in ClinVar:

ClinVar aggregate classification (germline): Likely pathogenic (1 of 4 stars; one submission).

Conditions:
Duchenne muscular dystrophy (DMD). Also called: MUSCULAR DYSTROPHY, PSEUDOHYPERTROPHIC PROGRESSIVE, DUCHENNE TYPE; Duchenne Muscular Dystrophy (DMD). Identifiers: Orphanet 98896, MedGen C0013264, MONDO:0010679, OMIM 310200.

Submission:

Labcorp Genetics (formerly Invitae), Labcorp
Classification: Likely pathogenic for Duchenne muscular dystrophy. Last evaluated: 2023-11-05. Review status: criteria provided, single submitter. Criteria: Invitae Variant Classification Sherloc (09022015). Collection method: clinical testing. Allele origin: unknown.
Comment: This variant is a gross deletion of the genomic region encompassing exon(s) 54-55 of the DMD gene. This variant would be expected to be in-frame, preserving the integrity of the reading frame. A similar copy number variant has been observed in individuals with DMD-related conditions (PMID: 16770791; Invitae). In summary, the currently available evidence indicates that the variant is pathogenic, but additional data are needed to prove that conclusively. Therefore, this variant has been classified as Likely Pathogenic.

Literature cited by the submitters: PubMed 16770791.

NC_000023.10:g.(?_31613687)_(31676281_?)del

Gene: DMD (dystrophin; minus strand). Cytogenetic location: Xp21.1.
Variant type: Deletion.
Identifiers: ClinVar variation 3248406 (VCV003248406.1).